The following is an entry in ClinVar:

NM_000215.4(JAK3):c.*654A>T

Gene: JAK3 (Janus kinase 3; minus strand). Cytogenetic location: 19p13.11.
Variant type: single nucleotide variant.
Coding change: c.*654A>T on transcript NM_000215.4 (MANE Select); 654 bases downstream of the stop codon, A replaced by T.
Molecular consequence: 3 prime UTR variant.
Genome position (GRCh38, 1-based): chr19:17,826,089, T>A on the plus strand (A>T on the coding strand, the complement: JAK3 is on the minus strand). VCF-style: chr19-17826089-T-A. GRCh37 (hg19) VCF-style: chr19-17936898-T-A.
Other names: NC_000019.9:g.17936898T>A.
Identifiers: ClinVar variation 328483 (VCV000328483.7), dbSNP rs71332114, ClinGen allele CA10651607.

ClinVar aggregate classification (germline): Benign. Review status: criteria provided, multiple submitters, no conflicts (2 of 4 stars). 2 submissions from 2 submitters: Benign (2). Last evaluated 2018-01-12.

Conditions:
T-B+ severe combined immunodeficiency due to JAK3 deficiency. Also called: SCID, autosomal recessive, T-negative/B-positive type; SCID, T CELL-NEGATIVE, B CELL-POSITIVE, NK CELL-NEGATIVE. Identifiers: Orphanet 35078, MedGen C1833275, MONDO:0010938, OMIM 600802.

Allele frequency attached by ClinVar (database versions not stated): gnomAD exomes 0.04000; 1000 Genomes Project 0.20767; gnomAD 0.27259 and 0.28147; TOPMed 0.27272.
gnomAD v4.1: 37,821 of 139,478 alleles (27%); highest among the groups gnomAD compares: African/African-American, 51%; 6,627 homozygotes.

Submissions (4):

Illumina Laboratory Services, Illumina
Classification: Benign for T-B+ severe combined immunodeficiency due to JAK3 deficiency. Last evaluated: 2018-01-12. Review status: criteria provided, single submitter. Criteria: ICSL Variant Classification Criteria 13 December 2019. Collection method: clinical testing. Allele origin: germline.
Comment: This variant was observed in the ICSL laboratory as part of a predisposition screen in an ostensibly healthy population. It had not been previously curated by ICSL or reported in the Human Gene Mutation Database (HGMD: prior to June 1st, 2018), and was therefore a candidate for classification through an automated scoring system. Utilizing variant allele frequency, disease prevalence and penetrance estimates, and inheritance mode, an automated score was calculated to assess if this variant is too frequent to cause the disease. Based on the score and internal cut-off values, a variant classified as benign is not then subjected to further curation. The score for this variant resulted in a classification of benign for this disease.

Breakthrough Genomics
Classification: Benign. Review status: criteria provided, single submitter. Criteria: ACMG Guidelines, 2015. Collection method: not provided. Allele origin: germline. Inheritance: Autosomal recessive inheritance. Affected: yes.

Dr. Peter K. Rogan Lab, Western University
No classification provided (evidence only). Condition: Ovarian serous cystadenocarcinoma. Review status: no classification provided. Collection method: in vitro. Allele origin: not applicable. Functional consequence: retained intron. Not counted in ClinVar's aggregate classification.

Dr. Peter K. Rogan Lab, Western University
No classification provided (evidence only). Condition: Ovarian serous cystadenocarcinoma. Review status: no classification provided. Collection method: in vitro. Allele origin: not applicable. Functional consequence: retained intron. Not counted in ClinVar's aggregate classification.